The following is an entry in ClinVar:

NM_001371928.1(AHDC1):c.4644_4645del (p.Ser1549fs)

Gene: AHDC1 (AT-hook DNA binding motif containing 1; minus strand). Cytogenetic location: 1p36.11.
Variant type: Deletion.
Coding change: c.4644_4645del on transcript NM_001371928.1 (MANE Select); coding-DNA positions 4644 to 4645, 2 bases deleted (GT; older notation c.4644_4645delGT).
Protein change: p.Ser1549fs; shifts the reading frame from serine 1549.
Molecular consequence: frameshift variant.
Genome position (GRCh38, 1-based): chr1:27,547,471-27,547,472, AC deleted on the plus strand (GT on the coding strand, the reverse complement: AHDC1 is on the minus strand); deleting any 2 consecutive bases within chr1:27,547,471-27,547,473 gives the same sequence; the c. name uses the placement nearest the transcript's 3' end. VCF-style (leftmost placement, unchanged base first): chr1-27547470-GAC-G. GRCh37 (hg19) VCF-style: chr1-27873981-GAC-G.
Other names: c.4644_4645del, p.Ser1549fs (NM_001029882.3); short protein forms S1549fs.
Identifiers: ClinVar variation 3572840 (VCV003572840.1).

ClinVar aggregate classification (germline): Uncertain significance (1 of 4 stars; one submission).

Submission:

GeneDx
Classification: Uncertain significance. Last evaluated: 2024-07-11. Review status: criteria provided, single submitter. Criteria: GeneDx Variant Classification Process June 2021. Collection method: clinical testing. Allele origin: germline. Affected: yes.
Comment: Frameshift variant predicted to result in abnormal protein length as the last 55 amino acids are replaced with 141 different amino acids; Not observed at significant frequency in large population cohorts (gnomAD); Has not been previously published as pathogenic or benign to our knowledge